The following is an entry in ClinVar:

ClinVar aggregate classification (germline): Likely benign (1 of 4 stars; one submission).

gnomAD v4.1: 23 of 1,613,666 alleles (0.0014%); highest among the groups gnomAD compares: African/African-American, 0.016%; no homozygotes.

Submission:

CeGaT Center for Human Genetics Tuebingen
Classification: Likely benign. Last evaluated: 2026-08-01. Review status: criteria provided, single submitter. Criteria: CeGaT Center For Human Genetics Tuebingen Variant Classification Criteria Version 2. Collection method: clinical testing. Allele origin: germline. Affected: yes. Observed: 1 variant allele.
Comment: CUX1: BP4, BP7

NM_181552.4(CUX1):c.2595C>T (p.Ala865=)

Gene: CUX1 (cut like homeobox 1; plus strand). Cytogenetic location: 7q22.1.
Variant type: single nucleotide variant.
Coding change: c.2595C>T on transcript NM_181552.4 (MANE Select); coding-DNA position 2595, C replaced by T.
Protein change: p.Ala865=; no amino-acid change (alanine 865 retained).
Molecular consequence: synonymous variant. On other transcripts: intron variant (5).
Genome position (GRCh38, 1-based): chr7:102,201,892, C>T. VCF-style: chr7-102201892-C-T. GRCh37 (hg19) VCF-style: chr7-101845172-C-T.
Other names: c.2628C>T, p.Ala876= (NM_001202543.2); c.1255+6289C>T (NM_001913.5); c.1249+6289C>T (NM_181500.4); c.1117+6289C>T (NM_001202545.3); c.1207+6289C>T (NM_001202544.3); c.1138+6289C>T (NM_001202546.3).
Identifiers: ClinVar variation 5039187 (VCV005039187.1).